The following is an entry in ClinVar:

ClinVar aggregate classification (germline): Uncertain significance (1 of 4 stars; one submission).

Submission:

Labcorp Genetics (formerly Invitae), Labcorp
Classification: Uncertain significance. Last evaluated: 2022-02-05. Review status: criteria provided, single submitter. Criteria: Invitae Variant Classification Sherloc (09022015). Collection method: clinical testing. Allele origin: germline.
Comment: Algorithms developed to predict the effect of missense changes on protein structure and function output the following: SIFT: "Tolerated"; PolyPhen-2: "Benign"; Align-GVGD: "Class C0". The valine amino acid residue is found in multiple mammalian species, which suggests that this missense change does not adversely affect protein function. ClinVar contains an entry for this variant (Variation ID: 1035611). This variant has not been reported in the literature in individuals affected with CACNA2D4-related conditions. This variant is not present in population databases (gnomAD no frequency). This sequence change replaces alanine, which is neutral and non-polar, with valine, which is neutral and non-polar, at codon 960 of the CACNA2D4 protein (p.Ala960Val). In summary, the available evidence is currently insufficient to determine the role of this variant in disease. Therefore, it has been classified as a Variant of Uncertain Significance.

NM_172364.5(CACNA2D4):c.2879C>T (p.Ala960Val)

Gene: CACNA2D4 (calcium voltage-gated channel auxiliary subunit alpha2delta 4; minus strand). Cytogenetic location: 12p13.33.
Variant type: single nucleotide variant.
Coding change: c.2879C>T on transcript NM_172364.5 (MANE Select); coding-DNA position 2879, C replaced by T.
Protein change: p.Ala960Val; replaces alanine 960 with valine.
Molecular consequence: missense variant.
Genome position (GRCh38, 1-based): chr12:1,800,428, G>A on the plus strand (C>T on the coding strand, the complement: CACNA2D4 is on the minus strand). VCF-style: chr12-1800428-G-A. GRCh37 (hg19) VCF-style: chr12-1909594-G-A.
Other names: short protein forms A960V.
Identifiers: ClinVar variation 1035611 (VCV001035611.8), dbSNP rs1863274343, ClinGen allele CA383348962.